The following is an entry in ClinVar:

ClinVar aggregate classification (germline): Pathogenic/Likely pathogenic. Review status: criteria provided, multiple submitters, no conflicts (2 of 4 stars). 6 submissions from 6 submitters: Pathogenic (3); Likely pathogenic (3). Last evaluated 2026-09-12.

Conditions:
Hereditary cancer-predisposing syndrome. Also called: Neoplastic Syndromes, Hereditary; Hereditary Cancer Syndrome; Tumor predisposition; Hereditary neoplastic syndrome. Identifiers: Orphanet 140162, MedGen C0027672, MeSH D009386, MONDO:0015356.
Tuberous sclerosis 2 (TSC2). Identifiers: Orphanet 805, MedGen C1860707, MONDO:0013199, OMIM 613254.

Allele frequency attached by ClinVar (database versions not stated): TOPMed 0.00001.

Submissions (6):

GeneDx
Classification: Likely pathogenic. Last evaluated: 2026-09-12. Review status: criteria provided, single submitter. Criteria: GeneDx Variant Classification Process June 2021. Collection method: clinical testing. Allele origin: germline.
Comment: Reported in both an affected and in an unaffected relative of individuals previously tested at GeneDx; Frameshift variant predicted to result in protein truncation or nonsense mediated decay in a gene for which loss of function is a known mechanism of disease; Not observed at significant frequency in large population cohorts (gnomAD); This variant is associated with the following publications: (PMID: 29655203, 21520333, 34308104, 33084842, 29926239, 17304050, 42151584, 10205261)

Myriad Genetics, Inc.
Classification: Pathogenic for Tuberous sclerosis 2. Last evaluated: 2025-09-17. Review status: criteria provided, single submitter. Criteria: Myriad Autosomal Dominant, Autosomal Recessive and X-Linked Classification Criteria (2023). Collection method: clinical testing. Allele origin: unknown.
Comment: This variant is considered pathogenic. This variant creates a frameshift predicted to result in premature protein truncation.

Labcorp Genetics (formerly Invitae), Labcorp
Classification: Pathogenic for Tuberous sclerosis 2. Last evaluated: 2025-09-08. Review status: criteria provided, single submitter. Criteria: Invitae Variant Classification Sherloc (09022015). Collection method: clinical testing. Allele origin: germline.
Comment: This sequence change creates a premature translational stop signal (p.Pro1267Alafs*55) in the TSC2 gene. It is expected to result in an absent or disrupted protein product. Loss-of-function variants in TSC2 are known to be pathogenic (PMID: 10205261, 17304050). This variant is not present in population databases (gnomAD no frequency). This premature translational stop signal has been observed in individual(s) with TSC2- related disease (PMID: 21520333, 29926239). Invitae Evidence Modeling of clinical and family history, age, sex, and reported ancestry of multiple individuals with this TSC2 variant has been performed. This variant is expected to be pathogenic with a positive predictive value of at least 99%. This is a validated machine learning model that incorporates the clinical features of 1,224,362 individuals referred to our laboratory for TSC2 testing. ClinVar contains an entry for this variant (Variation ID: 207775). For these reasons, this variant has been classified as Pathogenic.

Ambry Genetics
Classification: Pathogenic for Hereditary cancer-predisposing syndrome. Last evaluated: 2024-07-29. Review status: criteria provided, single submitter. Criteria: Ambry Variant Classification Scheme 2023. Collection method: clinical testing. Allele origin: germline.
Comment: The c.3797dupT pathogenic mutation, located in coding exon 30 of the TSC2 gene, results from a duplication of T at nucleotide position 3797, causing a translational frameshift with a predicted alternate stop codon (p.P1267Afs*55). This alteration was identified in a cohort of patients with epilepsy and/or neurodevelopmental disorders (Lindy AS et al. Epilepsia, 2018 May;59:1062-1071). This alteration was also identified in a patient with infantile spasms and a hypomelanotic macule (Caylor RC et al. Neurogenetics, 2018 Aug;19:205-213). This variant is considered to be rare based on population cohorts in the Genome Aggregation Database (gnomAD). This alteration is expected to result in loss of function by premature protein truncation or nonsense-mediated mRNA decay. As such, this alteration is interpreted as a disease-causing mutation.

Genome-Nilou Lab
Classification: Likely pathogenic for Tuberous sclerosis 2. Last evaluated: 2021-11-07. Review status: criteria provided, single submitter. Criteria: ACMG Guidelines, 2015. Collection method: clinical testing. Allele origin: germline. Affected: no.

Center for Pediatric Genomic Medicine, Children's Mercy Hospital and Clinics
Classification: Likely pathogenic. Last evaluated: 2017-05-12. Review status: criteria provided, single submitter. Criteria: ACMG Guidelines, 2015. Collection method: clinical testing. Allele origin: germline.

Literature cited by the submitters: PubMed 10205261 (cited by Labcorp Genetics (formerly Invitae), Labcorp); PubMed 17304050 (cited by Labcorp Genetics (formerly Invitae), Labcorp); PubMed 21520333 (cited by Labcorp Genetics (formerly Invitae), Labcorp); PubMed 29926239 (cited by Labcorp Genetics (formerly Invitae), Labcorp and Ambry Genetics); PubMed 29655203 (cited by Ambry Genetics).

NM_000548.5(TSC2):c.3797dup (p.Pro1267fs)

Gene: TSC2 (TSC complex subunit 2; plus strand). Cytogenetic location: 16p13.3.
Variant type: Duplication.
Coding change: c.3797dup on transcript NM_000548.5 (MANE Select); coding-DNA position 3797, one base duplicated (T; older notation c.3797dupT).
Protein change: p.Pro1267fs; shifts the reading frame from proline 1267.
Molecular consequence: frameshift variant.
Genome position (GRCh38, 1-based): chr16:2,081,781, T duplicated. VCF-style (leftmost placement, unchanged base first): chr16-2081780-C-CT. GRCh37 (hg19) VCF-style: chr16-2131781-C-CT.
Other names: c.3665dup, p.Pro1223fs (NM_001077183.3, NM_001370404.1); c.3797dup, p.Pro1267fs (NM_001114382.3); c.3557dup, p.Pro1187fs (NM_001318827.2); c.3521dup, p.Pro1175fs (NM_001318829.2); c.3065dup, p.Pro1023fs (NM_001318831.2); c.3698dup, p.Pro1234fs (NM_001318832.2); c.3668dup, p.Pro1224fs (NM_001363528.2, NM_001370405.1, NM_021055.3); c.3797dup (NM_000548.3); short protein forms P1023fs, P1223fs, P1175fs, P1187fs, P1267fs, P1224fs, P1234fs.
Identifiers: ClinVar variation 207775 (VCV000207775.20), dbSNP rs796053505, ClinGen allele CA319576.
Genomic context (GRCh38, chr16:2,081,780, plus strand): 5'-GACACAGCCCTGTACAAGTCACTGTCGGTGCCGGCAGCCAGCACGGCCAAACCCCCTCCT[C>CT]TGCCTCGCTCCAACACAGGTGAGTGGCATGGCGGGCCTTGGCACGGGCTCTGCTCCCACT-3'